The following is an entry in ClinVar:

NM_015338.6(ASXL1):c.7G>A (p.Asp3Asn)

Gene: ASXL1 (ASXL transcriptional regulator 1; plus strand). Cytogenetic location: 20q11.21.
Variant type: single nucleotide variant.
Coding change: c.7G>A on transcript NM_015338.6 (MANE Select); coding-DNA position 7, G replaced by A.
Protein change: p.Asp3Asn; replaces aspartic acid 3 with asparagine.
Molecular consequence: missense variant.
Genome position (GRCh38, 1-based): chr20:32,358,782, G>A. VCF-style: chr20-32358782-G-A. GRCh37 (hg19) VCF-style: chr20-30946585-G-A.
Other names: c.7G>A, p.Asp3Asn (NM_001164603.1); short protein forms D3N.
Identifiers: ClinVar variation 3956037 (VCV003956037.1).

ClinVar aggregate classification (germline): Uncertain significance (1 of 4 stars; one submission).

Conditions:
Inborn genetic diseases. Identifiers: MedGen C0950123, MeSH D030342.

gnomAD v4.1: 2 of 1,505,818 alleles (0.00013%); highest among the groups gnomAD compares: South Asian, 0.0012%; no homozygotes.

Submission:

Ambry Genetics
Classification: Uncertain significance for Inborn genetic diseases. Last evaluated: 2025-04-11. Review status: criteria provided, single submitter. Criteria: Ambry Variant Classification Scheme 2023. Collection method: clinical testing. Allele origin: germline.
Comment: The p.D3N variant (also known as c.7G>A), located in coding exon 1 of the ASXL1 gene, results from a G to A substitution at nucleotide position 7. The aspartic acid at codon 3 is replaced by asparagine, an amino acid with highly similar properties. This amino acid position is conserved. In addition, this alteration is predicted to be tolerated by in silico analysis. Based on the available evidence, the clinical significance of this variant remains unclear.